The following is an entry in ClinVar:

NM_005612.5(REST):c.2083C>G (p.Gln695Glu)

Gene: REST (RE1 silencing transcription factor; plus strand). Cytogenetic location: 4q12.
Variant type: single nucleotide variant.
Coding change: c.2083C>G on transcript NM_005612.5 (MANE Select); coding-DNA position 2083, C replaced by G.
Protein change: p.Gln695Glu; replaces glutamine 695 with glutamic acid.
Molecular consequence: missense variant.
Genome position (GRCh38, 1-based): chr4:56,930,941, C>G. VCF-style: chr4-56930941-C-G. GRCh37 (hg19) VCF-style: chr4-57797107-C-G.
Other names: c.2083C>G, p.Gln695Glu (NM_001193508.2, NM_001363453.3); short protein forms Q695E.
Identifiers: ClinVar variation 1037580 (VCV001037580.9), dbSNP rs1299643587, ClinGen allele CA357008039.

ClinVar aggregate classification (germline): Uncertain significance (1 of 4 stars; one submission).

Submission:

Labcorp Genetics (formerly Invitae), Labcorp
Classification: Uncertain significance. Last evaluated: 2020-08-15. Review status: criteria provided, single submitter. Criteria: Invitae Variant Classification Sherloc (09022015). Collection method: clinical testing. Allele origin: germline.
Comment: This sequence change replaces glutamine with glutamic acid at codon 695 of the REST protein (p.Gln695Glu). The glutamine residue is weakly conserved and there is a small physicochemical difference between glutamine and glutamic acid. This variant is not present in population databases (ExAC no frequency). This variant has not been reported in the literature in individuals with REST-related conditions. Algorithms developed to predict the effect of missense changes on protein structure and function output the following: SIFT: "Tolerated"; PolyPhen-2: "Benign"; Align-GVGD: "Class C0". The glutamic acid amino acid residue is found in multiple mammalian species, suggesting that this missense change does not adversely affect protein function. These predictions have not been confirmed by published functional studies and their clinical significance is uncertain. In summary, the available evidence is currently insufficient to determine the role of this variant in disease. Therefore, it has been classified as a Variant of Uncertain Significance.